The following is an entry in ClinVar:

ClinVar aggregate classification (germline): Uncertain significance (1 of 4 stars; one submission).

Conditions:
Long QT syndrome 10 (LQT10). Identifiers: Orphanet 101016, Orphanet 768, MedGen C2678484, MONDO:0012737, OMIM 611819.

Allele frequency attached by ClinVar (database versions not stated): gnomAD exomes below 0.00001.
gnomAD v4.1: 1 of 1,614,192 alleles (0.000062%); highest among the groups gnomAD compares: East Asian, 0.0022%; no homozygotes.

Submission:

Labcorp Genetics (formerly Invitae), Labcorp
Classification: Uncertain significance for Long QT syndrome 10. Last evaluated: 2022-12-02. Review status: criteria provided, single submitter. Criteria: Invitae Variant Classification Sherloc (09022015). Collection method: clinical testing. Allele origin: germline.
Comment: Algorithms developed to predict the effect of missense changes on protein structure and function (SIFT, PolyPhen-2, Align-GVGD) all suggest that this variant is likely to be tolerated. In summary, the available evidence is currently insufficient to determine the role of this variant in disease. Therefore, it has been classified as a Variant of Uncertain Significance. ClinVar contains an entry for this variant (Variation ID: 970001). This variant has not been reported in the literature in individuals affected with SCN4B-related conditions. This variant is present in population databases (no rsID available, gnomAD 0.006%). This sequence change replaces lysine, which is basic and polar, with glutamic acid, which is acidic and polar, at codon 96 of the SCN4B protein (p.Lys96Glu).

NM_174934.4(SCN4B):c.286A>G (p.Lys96Glu)

Genes: SCN4B (sodium voltage-gated channel beta subunit 4; minus strand), LOC126861356 (BRD4-independent group 4 enhancer GRCh37_chr11:118014519-118015718; plus strand). Cytogenetic location: 11q23.3.
Variant type: single nucleotide variant.
Coding change: c.286A>G on transcript NM_174934.4 (MANE Select); coding-DNA position 286, A replaced by G.
Protein change: p.Lys96Glu; replaces lysine 96 with glutamic acid.
Molecular consequence: missense variant. On other transcripts: 5 prime UTR variant (1), non-coding transcript variant (1), intron variant (1).
Genome position (GRCh38, 1-based): chr11:118,144,010, T>C on the plus strand (A>G on the coding strand, the complement: SCN4B is on the minus strand). VCF-style: chr11-118144010-T-C. GRCh37 (hg19) VCF-style: chr11-118014725-T-C.
Other names: c.-45A>G (NM_001142349.2); c.62-2674A>G (NM_001142348.2); short protein forms K96E.
Identifiers: ClinVar variation 970001 (VCV000970001.10), dbSNP rs1246344139, ClinGen allele CA382778358.